The following is an entry in ClinVar:

ClinVar aggregate classification (germline): Uncertain significance (1 of 4 stars; one submission).

Conditions:
Hereditary nonpolyposis colorectal neoplasms. Identifiers: MedGen C0009405, MeSH D003123.

Submission:

Labcorp Genetics (formerly Invitae), Labcorp
Classification: Uncertain significance for Hereditary nonpolyposis colorectal neoplasms. Last evaluated: 2022-11-03. Review status: criteria provided, single submitter. Criteria: Invitae Variant Classification Sherloc (09022015). Collection method: clinical testing. Allele origin: germline.
Comment: This sequence change replaces glutamine, which is neutral and polar, with proline, which is neutral and non-polar, at codon 346 of the PMS2 protein (p.Gln346Pro). This variant is not present in population databases (gnomAD no frequency). This variant has not been reported in the literature in individuals affected with PMS2-related conditions. Advanced modeling of protein sequence and biophysical properties (such as structural, functional, and spatial information, amino acid conservation, physicochemical variation, residue mobility, and thermodynamic stability) performed at Invitae indicates that this missense variant is expected to disrupt PMS2 protein function. In summary, the available evidence is currently insufficient to determine the role of this variant in disease. Therefore, it has been classified as a Variant of Uncertain Significance.

NM_000535.7(PMS2):c.1037A>C (p.Gln346Pro)

Gene: PMS2 (PMS1 homolog 2, mismatch repair system component; minus strand). Cytogenetic location: 7p22.1.
Variant type: single nucleotide variant.
Coding change: c.1037A>C on transcript NM_000535.7 (MANE Select); coding-DNA position 1037, A replaced by C.
Protein change: p.Gln346Pro; replaces glutamine 346 with proline.
Molecular consequence: missense variant. On other transcripts: non-coding transcript variant (1), intron variant (10).
Genome position (GRCh38, 1-based): chr7:5,989,907, T>G on the plus strand (A>C on the coding strand, the complement: PMS2 is on the minus strand). VCF-style: chr7-5989907-T-G. GRCh37 (hg19) VCF-style: chr7-6029538-T-G.
Other names: c.728A>C, p.Gln243Pro (NM_001406882.1, NM_001322015.2, NM_001406875.1 and 5 more transcripts); c.719A>C, p.Gln240Pro (NM_001406883.1, NM_001322007.2, NM_001322008.2 and 2 more transcripts); c.701A>C, p.Gln234Pro (NM_001406885.1); c.671A>C, p.Gln224Pro (NM_001406886.1); c.632A>C, p.Gln211Pro (NM_001406887.1, NM_001406888.1, NM_001406889.1 and 17 more transcripts); c.524A>C, p.Gln175Pro (NM_001406905.1, NM_001406904.1); c.464A>C, p.Gln155Pro (NM_001406909.1, NM_001322013.2); c.266A>C, p.Gln89Pro (NM_001406911.1); and 13 more; short protein forms Q310P, Q35P, Q89P, Q175P, Q243P, Q280P, Q346P, Q408P.
Identifiers: ClinVar variation 2811887 (VCV002811887.3), dbSNP rs752268571, ClinGen allele CA366742938.